The following is an entry in ClinVar:

NM_000059.4(BRCA2):c.5468_5475dup (p.Ala1826fs)

Gene: BRCA2 (BRCA2 DNA repair associated; plus strand). Cytogenetic location: 13q13.1.
Variant type: Duplication.
Coding change: c.5468_5475dup on transcript NM_000059.4 (MANE Select); coding-DNA positions 5468 to 5475, 8 bases duplicated (AAAATGCA; older notation c.5468_5475dupAAAATGCA).
Protein change: p.Ala1826fs; shifts the reading frame from alanine 1826.
Molecular consequence: frameshift variant. On other transcripts: non-coding transcript variant (1), intron variant (2).
Genome position (GRCh38, 1-based): chr13:32,339,823-32,339,830, AAAATGCA duplicated; duplicating any 8 consecutive bases within chr13:32,339,822-32,339,830 gives the same sequence; the c. name uses the placement nearest the transcript's 3' end. VCF-style (leftmost placement, unchanged base first): chr13-32339821-T-TAAAAATGC. GRCh37 (hg19) VCF-style: chr13-32913958-T-TAAAAATGC.
Other names: c.5468_5475dup, p.Ala1826fs (NM_001406719.1, NM_001406720.1); c.1910-4735_1910-4728dup (NM_001406721.1); c.425-4735_425-4728dup (NM_001406722.1); c.5468_5475dupAAAATGCA (NM_000059.3); short protein forms A1826fs.
Identifiers: ClinVar variation 3227467 (VCV003227467.1), dbSNP rs2548530884, ClinGen allele CA2825002159.

ClinVar aggregate classification (germline): Pathogenic (1 of 4 stars; one submission).

Conditions:
Hereditary cancer-predisposing syndrome. Also called: Neoplastic Syndromes, Hereditary; Tumor predisposition; Hereditary neoplastic syndrome; Hereditary Cancer Syndrome. Identifiers: Orphanet 140162, MedGen C0027672, MeSH D009386, MONDO:0015356.

Submission:

Ambry Genetics
Classification: Pathogenic for Hereditary cancer-predisposing syndrome. Last evaluated: 2023-09-26. Review status: criteria provided, single submitter. Criteria: Ambry Variant Classification Scheme 2023. Collection method: clinical testing. Allele origin: germline.
Comment: The c.5468_5475dupAAAATGCA pathogenic mutation, located in coding exon 10 of the BRCA2 gene, results from a duplication of AAAATGCA at nucleotide position 5468, causing a translational frameshift with a predicted alternate stop codon (p.A1826Kfs*17). This variant is considered to be rare based on population cohorts in the Genome Aggregation Database (gnomAD). This alteration is expected to result in loss of function by premature protein truncation or nonsense-mediated mRNA decay. As such, this alteration is interpreted as a disease-causing mutation.